The following is an entry in ClinVar:

ClinVar aggregate classification (germline): Uncertain significance (1 of 4 stars; one submission).

Conditions:
Early-infantile DEE. Also called: Ohtahara syndrome; Early infantile epileptic encephalopathy; Early infantile epileptic encephalopathy with suppression bursts. Identifiers: Orphanet 1934, MedGen C0393706, MONDO:0800491.

Submission:

Labcorp Genetics (formerly Invitae), Labcorp
Classification: Uncertain significance for Early-infantile DEE. Last evaluated: 2023-07-30. Review status: criteria provided, single submitter. Criteria: Invitae Variant Classification Sherloc (09022015). Collection method: clinical testing. Allele origin: germline.
Comment: This sequence change replaces serine, which is neutral and polar, with proline, which is neutral and non-polar, at codon 680 of the HCN1 protein (p.Ser680Pro). This variant has not been reported in the literature in individuals affected with HCN1-related conditions. Advanced modeling of protein sequence and biophysical properties (such as structural, functional, and spatial information, amino acid conservation, physicochemical variation, residue mobility, and thermodynamic stability) performed at Invitae indicates that this missense variant is not expected to disrupt HCN1 protein function. In summary, the available evidence is currently insufficient to determine the role of this variant in disease. Therefore, it has been classified as a Variant of Uncertain Significance. This variant is not present in population databases (gnomAD no frequency).

NM_021072.4(HCN1):c.2038T>C (p.Ser680Pro)

Gene: HCN1 (hyperpolarization activated cyclic nucleotide gated potassium channel 1; minus strand). Cytogenetic location: 5p12.
Variant type: single nucleotide variant.
Coding change: c.2038T>C on transcript NM_021072.4 (MANE Select); coding-DNA position 2038, T replaced by C.
Protein change: p.Ser680Pro; replaces serine 680 with proline.
Molecular consequence: missense variant.
Genome position (GRCh38, 1-based): chr5:45,262,556, A>G on the plus strand (T>C on the coding strand, the complement: HCN1 is on the minus strand). VCF-style: chr5-45262556-A-G. GRCh37 (hg19) VCF-style: chr5-45262658-A-G.
Other names: short protein forms S680P.
Identifiers: ClinVar variation 2748387 (VCV002748387.3), dbSNP rs1579763121, ClinGen allele CA359704180.